The following is an entry in ClinVar:

ClinVar aggregate classification (germline): Uncertain significance (1 of 4 stars; one submission).

Submission:

GeneDx
Classification: Uncertain significance. Last evaluated: 2026-03-14. Review status: criteria provided, single submitter. Criteria: GeneDx Variant Classification Process June 2021. Collection method: clinical testing. Allele origin: germline.
Comment: Not observed at significant frequency in large population cohorts (gnomAD); Missense variant in a gene in which most reported pathogenic variants are truncating/loss of function; Has not been previously published as pathogenic or benign to our knowledge

NM_001267550.2(TTN):c.87572C>A (p.Thr29191Lys)

Genes: TTN (titin; minus strand), TTN-AS1 (TTN antisense RNA 1; plus strand). Cytogenetic location: 2q31.2.
Variant type: single nucleotide variant.
Coding change: c.87572C>A on transcript NM_001267550.2 (MANE Select); coding-DNA position 87572, C replaced by A.
Protein change: p.Thr29191Lys; replaces threonine 29191 with lysine.
Molecular consequence: missense variant.
Genome position (GRCh38, 1-based): chr2:178,557,782, G>T on the plus strand (C>A on the coding strand, the complement: TTN is on the minus strand). VCF-style: chr2-178557782-G-T. GRCh37 (hg19) VCF-style: chr2-179422509-G-T.
Other names: c.82649C>A, p.Thr27550Lys (NM_001256850.1); c.60377C>A, p.Thr20126Lys (NM_003319.4); c.79868C>A, p.Thr26623Lys (NM_133378.4); c.60752C>A, p.Thr20251Lys (NM_133432.3); c.60953C>A, p.Thr20318Lys (NM_133437.4); short protein forms T27550K, T20251K, T20126K, T20318K, T26623K, T29191K.
Identifiers: ClinVar variation 5008995 (VCV005008995.1).